The following is an entry in ClinVar:

NM_002645.4(PIK3C2A):c.3361G>A (p.Val1121Ile)

Gene: PIK3C2A (phosphatidylinositol-4-phosphate 3-kinase catalytic subunit type 2 alpha; minus strand). Cytogenetic location: 11p15.1.
Variant type: single nucleotide variant.
Coding change: c.3361G>A on transcript NM_002645.4 (MANE Select); coding-DNA position 3361, G replaced by A.
Protein change: p.Val1121Ile; replaces valine 1121 with isoleucine.
Molecular consequence: missense variant.
Genome position (GRCh38, 1-based): chr11:17,112,627, C>T on the plus strand (G>A on the coding strand, the complement: PIK3C2A is on the minus strand). VCF-style: chr11-17112627-C-T. GRCh37 (hg19) VCF-style: chr11-17134174-C-T.
Other names: c.3361G>A, p.Val1121Ile (NM_001321378.2); c.2221G>A, p.Val741Ile (NM_001321380.2); c.3193G>A, p.Val1065Ile (NM_001386870.1); c.3361G>A (NM_002645.2); short protein forms V741I, V1121I, V1065I.
Identifiers: ClinVar variation 1905935 (VCV001905935.4), dbSNP rs1023427333, ClinGen allele CA218385368.

ClinVar aggregate classification (germline): Uncertain significance. Review status: criteria provided, multiple submitters, no conflicts (2 of 4 stars). 2 submissions from 2 submitters: Uncertain significance (2). Last evaluated 2025-10-21.

Allele frequency attached by ClinVar (database versions not stated): gnomAD exomes below 0.00001; TOPMed 0.00001.
gnomAD v4.1: 3 of 1,556,926 alleles (0.00019%); highest among the groups gnomAD compares: Admixed American, 0.0054%; no homozygotes.

Submissions (2):

Ambry Genetics
Classification: Uncertain significance. Last evaluated: 2025-10-21. Review status: criteria provided, single submitter. Criteria: Ambry Variant Classification Scheme 2023. Collection method: clinical testing. Allele origin: germline.

Labcorp Genetics (formerly Invitae), Labcorp
Classification: Uncertain significance. Last evaluated: 2023-12-22. Review status: criteria provided, single submitter. Criteria: Invitae Variant Classification Sherloc (09022015). Collection method: clinical testing. Allele origin: germline.
Comment: This sequence change replaces valine, which is neutral and non-polar, with isoleucine, which is neutral and non-polar, at codon 1121 of the PIK3C2A protein (p.Val1121Ile). This variant is present in population databases (no rsID available, gnomAD 0.01%). This variant has not been reported in the literature in individuals affected with PIK3C2A-related conditions. ClinVar contains an entry for this variant (Variation ID: 1905935). An algorithm developed to predict the effect of missense changes on protein structure and function (PolyPhen-2) suggests that this variant¬†is likely to be tolerated. In summary, the available evidence is currently insufficient to determine the role of this variant in disease. Therefore, it has been classified as a Variant of Uncertain Significance.